The following is an entry in ClinVar:

NM_003239.5(TGFB3):c.1021G>A (p.Ala341Thr)

Gene: TGFB3 (transforming growth factor beta 3; minus strand). Cytogenetic location: 14q24.3.
Variant type: single nucleotide variant.
Coding change: c.1021G>A on transcript NM_003239.5 (MANE Select); coding-DNA position 1021, G replaced by A.
Protein change: p.Ala341Thr; replaces alanine 341 with threonine.
Molecular consequence: missense variant.
Genome position (GRCh38, 1-based): chr14:75,960,982, C>T on the plus strand (G>A on the coding strand, the complement: TGFB3 is on the minus strand). VCF-style: chr14-75960982-C-T. GRCh37 (hg19) VCF-style: chr14-76427325-C-T.
Other names: c.1021G>A, p.Ala341Thr (NM_001329939.2); short protein forms A341T.
Identifiers: ClinVar variation 4685396 (VCV004685396.2).

ClinVar aggregate classification (germline): Uncertain significance (1 of 4 stars; one submission).

Submission:

GeneDx
Classification: Uncertain significance. Last evaluated: 2026-06-08. Review status: criteria provided, single submitter. Criteria: GeneDx Variant Classification Process June 2021. Collection method: clinical testing. Allele origin: germline.
Comment: Not observed at significant frequency in large population cohorts (gnomAD); In silico analysis supports that this missense variant has a deleterious effect on protein structure/function; Has not been previously published as pathogenic or benign to our knowledge